The following is an entry in ClinVar:

NM_004415.4(DSP):c.103G>C (p.Gly35Arg)

Genes: DSP (desmoplakin; plus strand), DSP-AS1 (DSP antisense RNA 1; minus strand). Cytogenetic location: 6p24.3.
Variant type: single nucleotide variant.
Coding change: c.103G>C on transcript NM_004415.4 (MANE Select); coding-DNA position 103, G replaced by C.
Protein change: p.Gly35Arg; replaces glycine 35 with arginine.
Molecular consequence: missense variant.
Genome position (GRCh38, 1-based): chr6:7,542,018, G>C. VCF-style: chr6-7542018-G-C. GRCh37 (hg19) VCF-style: chr6-7542251-G-C.
Other names: c.103G>C, p.Gly35Arg (NM_001008844.3, NM_001319034.2, NM_001406591.1); short protein forms G35R.
Identifiers: ClinVar variation 4757471 (VCV004757471.1).

ClinVar aggregate classification (germline): Uncertain significance (1 of 4 stars; one submission).

Conditions:
Cardiomyopathy (CMYO). Also called: Cardiomyopathies. Identifiers: Orphanet 167848, MedGen C0878544, MONDO:0004994, HP:0001638. Inheritance: Various modes of inheritance.

Submission:

Color Diagnostics, LLC DBA Color Health
Classification: Uncertain significance for Cardiomyopathy. Last evaluated: 2025-07-07. Review status: criteria provided, single submitter. Criteria: ACMG Guidelines, 2015. Collection method: clinical testing. Allele origin: germline.
Comment: This missense variant replaces glycine with arginine at codon 35 of the DSP protein. Computational prediction suggests that this variant may not impact protein structure and function. To our knowledge, functional studies have not been reported for this variant. This variant has not been reported in individuals affected with DSP-related disorders in the literature. This variant has not been identified in the general population by the Genome Aggregation Database (gnomAD). The available evidence is insufficient to determine the role of this variant in disease conclusively. Therefore, this variant is classified as a Variant of Uncertain Significance.